The following is an entry in ClinVar:

NM_003327.4(TNFRSF4):c.515del (p.Pro172fs)

Gene: TNFRSF4 (TNF receptor superfamily member 4; minus strand). Cytogenetic location: 1p36.33.
Variant type: Deletion.
Coding change: c.515del on transcript NM_003327.4 (MANE Select); coding-DNA position 515, one base deleted (C; older notation c.515delC).
Protein change: p.Pro172fs; shifts the reading frame from proline 172.
Molecular consequence: frameshift variant.
Genome position (GRCh38, 1-based): chr1:1,212,061, G deleted on the plus strand (C on the coding strand, the reverse complement: TNFRSF4 is on the minus strand); the first of 6 consecutive G bases (chr1:1,212,061-1,212,066); deleting any one gives the same sequence. VCF-style (leftmost placement, unchanged base first): chr1-1212060-TG-T. GRCh37 (hg19) VCF-style: chr1-1147440-TG-T.
Other names: c.515del, p.Pro172fs (NM_001410709.1); short protein forms P172fs.
Identifiers: ClinVar variation 4698428 (VCV004698428.1).

ClinVar aggregate classification (germline): Uncertain significance (1 of 4 stars; one submission).

Conditions:
Combined immunodeficiency due to OX40 deficiency. Also called: Immunodeficiency 16; OX40 DEFICIENCY. Identifiers: Orphanet 431149, MedGen C3810053, MONDO:0014268, OMIM 615593.

Submission:

Labcorp Genetics (formerly Invitae), Labcorp
Classification: Uncertain significance for Combined immunodeficiency due to OX40 deficiency. Last evaluated: 2025-11-24. Review status: criteria provided, single submitter. Criteria: Invitae Variant Classification Sherloc (09022015). Collection method: clinical testing. Allele origin: germline.
Comment: This sequence change is expected to alter the c-terminus of the TNFRSF4 protein (p.Pro172Glnfs*). While this is not anticipated to result in nonsense mediated decay, it is expected to disrupt the last 106 amino acid(s) of the TNFRSF4 protein and extend the protein by an uncertain number of additional amino acid residues. The frequency data for this variant in the population databases is considered unreliable, as metrics indicate poor data quality at this position in the gnomAD database. This variant has not been reported in the literature in individuals affected with TNFRSF4-related conditions. In summary, the available evidence is currently insufficient to determine the role of this variant in disease. Therefore, it has been classified as a Variant of Uncertain Significance.